The following is an entry in ClinVar:

ClinVar aggregate classification (germline): Pathogenic/Likely pathogenic. Review status: criteria provided, multiple submitters, no conflicts (2 of 4 stars). 2 submissions from 2 submitters: Pathogenic (1); Likely pathogenic (1). Last evaluated 2025-10-23.

Conditions:
Distal myopathy with posterior leg and anterior hand involvement. Also called: WILLIAMS DISTAL MYOPATHY. Identifiers: Orphanet 63273, MedGen C3279722, MONDO:0013550, OMIM 614065.
Myofibrillar myopathy 5. Also called: FILAMINOPATHY, AUTOSOMAL DOMINANT; Filaminopathy (type). Identifiers: Orphanet 171445, MedGen C1836050, MONDO:0012289, OMIM 609524.
Hypertrophic cardiomyopathy 26. Also called: Cardiomyopathy, familial hypertrophic, 26. Identifiers: Orphanet 75249, MedGen C4310749, MONDO:0014883, OMIM 617047.
FLNC-related disorder. Also called: FLNC-related condition; FLNC-related disorders.

Submissions (2):

Labcorp Genetics (formerly Invitae), Labcorp
Classification: Pathogenic for Distal myopathy with posterior leg and anterior hand involvement; Myofibrillar myopathy 5; Hypertrophic cardiomyopathy 26. Last evaluated: 2025-10-23. Review status: criteria provided, single submitter. Criteria: Invitae Variant Classification Sherloc (09022015). Collection method: clinical testing. Allele origin: germline.
Comment: This sequence change creates a premature translational stop signal (p.Trp209*) in the FLNC gene. It is expected to result in an absent or disrupted protein product. Loss-of-function variants in FLNC are known to be pathogenic (PMID: 27908349). This variant is not present in population databases (gnomAD no frequency). This variant has not been reported in the literature in individuals affected with FLNC-related conditions. For these reasons, this variant has been classified as Pathogenic.

Blueprint Genetics
Classification: Likely pathogenic for FLNC-related disorders. Last evaluated: 2018-01-11. Review status: criteria provided, single submitter. Criteria: ACMG Guidelines, 2015. Collection method: clinical testing. Allele origin: germline. Affected: yes. Observed: 1 variant allele.

Literature cited by the submitters: PubMed 27908349 (cited by Labcorp Genetics (formerly Invitae), Labcorp).

NM_001458.5(FLNC):c.626G>A (p.Trp209Ter)

Gene: FLNC (filamin C; plus strand). Cytogenetic location: 7q32.1.
Variant type: single nucleotide variant.
Coding change: c.626G>A on transcript NM_001458.5 (MANE Select); coding-DNA position 626, G replaced by A.
Protein change: p.Trp209Ter; replaces tryptophan 209 with a stop codon.
Molecular consequence: nonsense.
Genome position (GRCh38, 1-based): chr7:128,837,184, G>A. VCF-style: chr7-128837184-G-A. GRCh37 (hg19) VCF-style: chr7-128477238-G-A.
Other names: c.626G>A, p.Trp209Ter (NM_001127487.2); short protein forms W209*.
Identifiers: ClinVar variation 4812541 (VCV004812541.2).